The following is an entry in ClinVar:

ClinVar aggregate classification (germline): Uncertain significance. Review status: criteria provided, multiple submitters, no conflicts (2 of 4 stars). 2 submissions from 2 submitters: Uncertain significance (2). Last evaluated 2026-03-13.

Conditions:
Kabuki syndrome. Also called: Kabuki make-up syndrome; NIIKAWA-KUROKI SYNDROME. Identifiers: Orphanet 2322, MedGen C0796004, MONDO:0016512.

Allele frequency attached by ClinVar (database versions not stated): gnomAD exomes below 0.00001; TOPMed below 0.00001.
gnomAD v4.1: 4 of 1,614,090 alleles (0.00025%); highest among the groups gnomAD compares: Non-Finnish European, 0.00034%; no homozygotes.

Submissions (2):

GeneDx
Classification: Uncertain significance. Last evaluated: 2026-03-13. Review status: criteria provided, single submitter. Criteria: GeneDx Variant Classification Process June 2021. Collection method: clinical testing. Allele origin: germline.
Comment: Not observed at significant frequency in large population cohorts (gnomAD); In silico analysis supports that this missense variant has a deleterious effect on protein structure/function; Has not been previously published as pathogenic or benign to our knowledge

Labcorp Genetics (formerly Invitae), Labcorp
Classification: Uncertain significance for Kabuki syndrome. Last evaluated: 2025-07-21. Review status: criteria provided, single submitter. Criteria: Invitae Variant Classification Sherloc (09022015). Collection method: clinical testing. Allele origin: germline.
Comment: This sequence change replaces glutamic acid, which is acidic and polar, with aspartic acid, which is acidic and polar, at codon 1765 of the KMT2D protein (p.Glu1765Asp). This variant is not present in population databases (gnomAD no frequency). This variant has not been reported in the literature in individuals affected with KMT2D-related conditions. ClinVar contains an entry for this variant (Variation ID: 1438360). Invitae Evidence Modeling of protein sequence and biophysical properties (such as structural, functional, and spatial information, amino acid conservation, physicochemical variation, residue mobility, and thermodynamic stability) indicates that this missense variant is not expected to disrupt KMT2D protein function with a negative predictive value of 95%. In summary, the available evidence is currently insufficient to determine the role of this variant in disease. Therefore, it has been classified as a Variant of Uncertain Significance.

NM_003482.4(KMT2D):c.5295G>C (p.Glu1765Asp)

Gene: KMT2D (lysine methyltransferase 2D; minus strand). Cytogenetic location: 12q13.12.
Variant type: single nucleotide variant.
Coding change: c.5295G>C on transcript NM_003482.4 (MANE Select); coding-DNA position 5295, G replaced by C.
Protein change: p.Glu1765Asp; replaces glutamic acid 1765 with aspartic acid.
Molecular consequence: missense variant.
Genome position (GRCh38, 1-based): chr12:49,043,892, C>G on the plus strand (G>C on the coding strand, the complement: KMT2D is on the minus strand). VCF-style: chr12-49043892-C-G. GRCh37 (hg19) VCF-style: chr12-49437675-C-G.
Other names: c.5295G>C (NM_003482.3); short protein forms E1765D.
Identifiers: ClinVar variation 1438360 (VCV001438360.8), dbSNP rs963946740, ClinGen allele CA384634589.